The following is an entry in ClinVar:

NM_003482.4(KMT2D):c.9527G>C (p.Ser3176Thr)

Gene: KMT2D (lysine methyltransferase 2D; minus strand). Cytogenetic location: 12q13.12.
Variant type: single nucleotide variant.
Coding change: c.9527G>C on transcript NM_003482.4 (MANE Select); coding-DNA position 9527, G replaced by C.
Protein change: p.Ser3176Thr; replaces serine 3176 with threonine.
Molecular consequence: missense variant.
Genome position (GRCh38, 1-based): chr12:49,037,829, C>G on the plus strand (G>C on the coding strand, the complement: KMT2D is on the minus strand). VCF-style: chr12-49037829-C-G. GRCh37 (hg19) VCF-style: chr12-49431612-C-G.
Other names: short protein forms S3176T.
Identifiers: ClinVar variation 5020983 (VCV005020983.1).

ClinVar aggregate classification (germline): Uncertain significance (1 of 4 stars; one submission).

Submission:

Dasa
Classification: Uncertain significance. Last evaluated: 2025-03-11. Review status: criteria provided, single submitter. Criteria: DASA Assertion Criteria. Collection method: clinical testing. Allele origin: germline.
Comment: NM_003482.4(KMT2D):c.9527G>C (p.Ser3176Thr) is a missense variant that results in the substitution of serine with threonine. This variant is absent from population databases. Computational prediction algorithms are consistent with a deleterious effect. The currently available literature and clinical evidence are not sufficient to establish a definitive association between this variant and the reported condition. Therefore, this variant is classified as a variant of uncertain significance.